The following is an entry in ClinVar:

NM_001252024.2(TRPM1):c.836del (p.Gly279fs)

Gene: TRPM1 (transient receptor potential cation channel subfamily M member 1; minus strand). Cytogenetic location: 15q13.3.
Variant type: Deletion.
Coding change: c.836del on transcript NM_001252024.2 (MANE Select); coding-DNA position 836, one base deleted (G; older notation c.836delG).
Protein change: p.Gly279fs; shifts the reading frame from glycine 279.
Molecular consequence: frameshift variant.
Genome position (GRCh38, 1-based): chr15:31,063,247, C deleted on the plus strand (G on the coding strand, the reverse complement: TRPM1 is on the minus strand); the first of 6 consecutive C bases (chr15:31,063,247-31,063,252); deleting any one gives the same sequence. VCF-style (leftmost placement, unchanged base first): chr15-31063246-GC-G. GRCh37 (hg19) VCF-style: chr15-31355449-GC-G.
Other names: c.887del, p.Gly296fs (NM_001252020.2); c.770del, p.Gly257fs (NM_002420.6); c.770del (NM_002420.5); short protein forms G257fs, G279fs, G296fs.
Identifiers: ClinVar variation 2716312 (VCV002716312.5), dbSNP rs760418372, ClinGen allele CA7452786.

ClinVar aggregate classification (germline): Pathogenic. Review status: criteria provided, multiple submitters, no conflicts (2 of 4 stars). 4 submissions from 4 submitters: Pathogenic (4). Last evaluated 2026-03-31.

Conditions:
TRPM1-related disorder. Also called: TRPM1-related condition.
Retinal disorder. Also called: Retinopathy; Retinopathies; Retinal Diseases; Retinal disorders. Identifiers: MedGen C0035309, MONDO:0005283, HP:0000488.

Submissions (4):

GeneDx
Classification: Pathogenic. Last evaluated: 2026-03-31. Review status: criteria provided, single submitter. Criteria: GeneDx Variant Classification Process June 2021. Collection method: clinical testing. Allele origin: germline.
Comment: Frameshift variant predicted to result in protein truncation or nonsense mediated decay in a gene for which loss of function is a known mechanism of disease; Observed with a deletion on the opposite chromosome in a patient with inherited retinal degeneration; further patient-specific details were not provided (PMID: 32037395); Not observed at significant frequency in large population cohorts (gnomAD); This variant is associated with the following publications: (PMID: 32037395, 35633130)

Labcorp Genetics (formerly Invitae), Labcorp
Classification: Pathogenic. Last evaluated: 2022-12-12. Review status: criteria provided, single submitter. Criteria: Invitae Variant Classification Sherloc (09022015). Collection method: clinical testing. Allele origin: germline.
Comment: For these reasons, this variant has been classified as Pathogenic. This variant has not been reported in the literature in individuals affected with TRPM1-related conditions. This variant is present in population databases (rs760418372, gnomAD 0.0009%). This sequence change creates a premature translational stop signal (p.Gly257Alafs*21) in the TRPM1 gene. It is expected to result in an absent or disrupted protein product. Loss-of-function variants in TRPM1 are known to be pathogenic (PMID: 19896113, 19966281, 20300565).

AURAGEN, Plan France Médecine Génomique
Classification: Pathogenic for Retinal disorder. Last evaluated: 2022-03-29. Review status: criteria provided, single submitter. Criteria: PFMG2025 (Lancet Reg Health Eur. 2025). Collection method: clinical testing. Allele origin: germline. Affected: yes.

Blueprint Genetics
Classification: Pathogenic for TRPM1-related disorders. Last evaluated: 2020-07-07. Review status: criteria provided, single submitter. Criteria: ACMG Guidelines, 2015. Collection method: clinical testing. Allele origin: germline. Affected: yes. Observed: 2 variant alleles.

Literature cited by the submitters: PubMed 19896113 (cited by Labcorp Genetics (formerly Invitae), Labcorp); PubMed 19966281 (cited by Labcorp Genetics (formerly Invitae), Labcorp); PubMed 20300565 (cited by Labcorp Genetics (formerly Invitae), Labcorp).